The following is an entry in ClinVar:

ClinVar aggregate classification (germline): Likely pathogenic. Review status: criteria provided, multiple submitters, no conflicts (2 of 4 stars). 2 submissions from 2 submitters: Likely pathogenic (2). Last evaluated 2026-02-19.

Conditions:
Merosin deficient congenital muscular dystrophy (MDC1A). Also called: Congenital merosin-deficient muscular dystrophy 1A; Congenital Muscular Dystrophy Type 1A (MDC1A). Identifiers: Orphanet 258, MedGen C1263858, MONDO:0011925, OMIM 607855.
Muscular dystrophy, limb-girdle, autosomal recessive 23. Identifiers: Orphanet 565837, MedGen C4748327, MONDO:0029136, OMIM 618138.
LAMA2-related muscular dystrophy (LAMA2-RD). Also called: Laminin alpha 2-related dystrophy. Identifiers: MedGen C5679788, MONDO:0100228.

Submissions (2):

Myriad Genetics, Inc.
Classification: Likely pathogenic for LAMA2-related muscular dystrophy. Last evaluated: 2026-02-19. Review status: criteria provided, single submitter. Criteria: Myriad Autosomal Dominant, Autosomal Recessive and X-Linked Classification Criteria (2023). Collection method: clinical testing. Allele origin: unknown.
Comment: NM_000426.3(LAMA2):c.6707+1G>T is a variant in a canonical splice site classified as likely pathogenic in the context of muscular dystrophy, LAMA2-related. c.6707+1G>T has not been observed in cases with relevant disease. Relevant functional assessments of this variant are not available in the literature. c.6707+1G>T has not been observed in referenced population frequency databases. In summary, NM_000426.3(LAMA2):c.6707+1G>T is a variant in a canonical splice site in a gene where loss of function is a known mechanism of disease and is predicted to disrupt protein function. Please note: this variant was assessed in the context of healthy population screening.

Fulgent Genetics
Classification: Likely pathogenic for Merosin deficient congenital muscular dystrophy; Muscular dystrophy, limb-girdle, autosomal recessive 23. Last evaluated: 2024-05-10. Review status: criteria provided, single submitter. Criteria: ACMG Guidelines, 2015. Collection method: clinical testing. Allele origin: germline.

NM_000426.4(LAMA2):c.6707+1G>T

Gene: LAMA2 (laminin subunit alpha 2; plus strand). Cytogenetic location: 6q22.33.
Variant type: single nucleotide variant.
Coding change: c.6707+1G>T on transcript NM_000426.4 (MANE Select); the canonical splice donor site of the intron after coding-DNA position 6707, G replaced by T.
Molecular consequence: splice donor variant.
Genome position (GRCh38, 1-based): chr6:129,454,289, G>T. VCF-style: chr6-129454289-G-T. GRCh37 (hg19) VCF-style: chr6-129775434-G-T.
Other names: c.6707+1G>T (NM_001079823.2).
Identifiers: ClinVar variation 3593030 (VCV003593030.2).